The following is an entry in ClinVar:

ClinVar aggregate classification (germline): Uncertain significance. Review status: criteria provided, multiple submitters, no conflicts (2 of 4 stars). 2 submissions from 2 submitters: Uncertain significance (2). Last evaluated 2021-11-04.

Conditions:
Central core myopathy (CMYO1A). Also called: Central core disease; Myopathy, central fibrillar; CONGENITAL MYOPATHY 1A, AUTOSOMAL DOMINANT, WITH SUSCEPTIBILITY TO MALIGNANT HYPERTHERMIA. Identifiers: Orphanet 597, MedGen C5830701, MONDO:0007294, OMIM 117000.
Congenital myopathy with fiber type disproportion. Also called: Congenital fiber-type disproportion myopathy; Congenital fiber-type disproportion. Identifiers: Orphanet 2020, MedGen C0546264, MONDO:0009711. Inheritance: all.
King Denborough syndrome (KDS). Identifiers: MedGen C1840365, MONDO:0020485, OMIM 619542.
Malignant hyperthermia, susceptibility to, 1 (MHS1). Also called: RYR1-Related Malignant Hyperthermia Susceptibility; Malignant hyperthermia suceptibility 1; Anesthesia related hyperthermia; Malignant hyperpyrexia; Fulminating hyperpyrexia; Pharmacogenic myopathy. Identifiers: Orphanet 423, MedGen C2930980, MONDO:0007783, OMIM 145600.
Congenital multicore myopathy with external ophthalmoplegia (CMYO1B). Also called: MULTIMINICORE DISEASE WITH EXTERNAL OPHTHALMOPLEGIA; Minicore myopathy with external ophthalmoplegia; Congenital myopathy 1B, autosomal recessive; Minicore myopathy; MULTICORE MYOPATHY. Identifiers: Orphanet 598, Orphanet 98905, MedGen C1850674, MONDO:0009712, OMIM 255320, HP:0003789.

Allele frequency attached by ClinVar (database versions not stated): gnomAD exomes below 0.00001 and 0.00001; gnomAD 0.00001; TOPMed 0.00002; 1000 Genomes Project 30x 0.00016; 1000 Genomes Project 0.00020.
gnomAD v4.1: 4 of 1,613,796 alleles (0.00025%); highest among the groups gnomAD compares: East Asian, 0.0022%; no homozygotes.

Submissions (2):

Fulgent Genetics
Classification: Uncertain significance for Central core myopathy; Malignant hyperthermia, susceptibility to, 1; Congenital myopathy 4A, autosomal dominant; Congenital multicore myopathy with external ophthalmoplegia; King Denborough syndrome. Last evaluated: 2021-11-04. Review status: criteria provided, single submitter. Criteria: ACMG Guidelines, 2015. Collection method: clinical testing. Allele origin: unknown.

GeneDx
Classification: Uncertain significance. Last evaluated: 2017-02-23. Review status: criteria provided, single submitter. Criteria: GeneDx Variant Classification (06012015). Collection method: clinical testing. Allele origin: germline. Affected: yes.
Comment: The R473H variant in the RYR1 gene has not been reported previously as a pathogenic variant, nor as a benign variant, to our knowledge. The R473H variant is not observed at a significant frequency in large population cohorts (Lek et al., 2016; 1000 Genomes Consortium et al., 2015; Exome Variant Server). This substitution occurs at a position that is conserved across species, and in silico analysis predicts this variant is probably damaging to the protein structure/function. However, the R473H variant is a conservative amino acid substitution, which is not likely to impact secondary protein structure as these residues share similar properties. We interpret R473H as a variant of uncertain significance.

NM_000540.3(RYR1):c.1418G>A (p.Arg473His)

Gene: RYR1 (ryanodine receptor 1; plus strand). Cytogenetic location: 19q13.2.
Variant type: single nucleotide variant.
Coding change: c.1418G>A on transcript NM_000540.3 (MANE Select); coding-DNA position 1418, G replaced by A.
Protein change: p.Arg473His; replaces arginine 473 with histidine.
Molecular consequence: missense variant.
Genome position (GRCh38, 1-based): chr19:38,452,992, G>A. VCF-style: chr19-38452992-G-A. GRCh37 (hg19) VCF-style: chr19-38943632-G-A.
Other names: c.1418G>A, p.Arg473His (NM_001042723.2); short protein forms R473H.
Identifiers: ClinVar variation 423940 (VCV000423940.3), dbSNP rs538087438, ClinGen allele CA16620825.
Genomic context (GRCh38, chr19:38,452,992, plus strand): 5'-CTCCCTCCGAGGACTTGCAGCACGAGGAGAAGCAGAGCAAGCTGCGAAGCCTGCGCAACC[G>A]CCAGAGCCTCTTCCAGGAGGAGGTGAGGACGTGGCGAGGGCGGAGCGGGGCCTGTGGGCC-3'
Protein context (NP_000531.2, residues 463-483): KQSKLRSLRN[Arg473His]QSLFQEEGML